The following is an entry in ClinVar:

NM_182961.4(SYNE1):c.21909C>G (p.Leu7303=)

Gene: SYNE1 (spectrin repeat containing nuclear envelope protein 1; minus strand). Cytogenetic location: 6q25.2.
Variant type: single nucleotide variant.
Coding change: c.21909C>G on transcript NM_182961.4 (MANE Select); coding-DNA position 21909, C replaced by G.
Protein change: p.Leu7303=; no amino-acid change (leucine 7303 retained).
Molecular consequence: synonymous variant.
Genome position (GRCh38, 1-based): chr6:152,219,138, G>C on the plus strand (C>G on the coding strand, the complement: SYNE1 is on the minus strand). VCF-style: chr6-152219138-G-C. GRCh37 (hg19) VCF-style: chr6-152540273-G-C.
Other names: c.21696C>G, p.Leu7232= (NM_033071.5).
Identifiers: ClinVar variation 2154570 (VCV002154570.1), dbSNP rs765804480, ClinGen allele CA4054018.

ClinVar aggregate classification (germline): Uncertain significance (1 of 4 stars; one submission).

Conditions:
Autosomal recessive ataxia, Beauce type. Also called: SYNE1-Related Autosomal Recessive Cerebellar Ataxia; Spinocerebellar ataxia, autosomal recessive 8; ATAXIA, RECESSIVE, OF BEAUCE; SYNE1 Deficiency. Identifiers: Orphanet 88644, MedGen C1853116, MONDO:0012549, OMIM 610743.
Emery-Dreifuss muscular dystrophy 4, autosomal dominant (EDMD4). Also called: EMERY-DREIFUSS MUSCULAR DYSTROPHY 4 WITH VARIABLE FEATURES. Identifiers: Orphanet 261, MedGen C2751807, MONDO:0013071, OMIM 612998.

Allele frequency attached by ClinVar (database versions not stated): ExAC 0.00001; gnomAD 0.00001.
gnomAD v4.1: 6 of 1,613,966 alleles (0.00037%); highest among the groups gnomAD compares: Admixed American, 0.0083%; no homozygotes.

Submission:

Labcorp Genetics (formerly Invitae), Labcorp
Classification: Uncertain significance for Emery-Dreifuss muscular dystrophy 4, autosomal dominant; Autosomal recessive ataxia, Beauce type. Last evaluated: 2022-08-19. Review status: criteria provided, single submitter. Criteria: Invitae Variant Classification Sherloc (09022015). Collection method: clinical testing. Allele origin: germline.
Comment: This sequence change affects codon 7232 of the SYNE1 mRNA. It is a 'silent' change, meaning that it does not change the encoded amino acid sequence of the SYNE1 protein. This variant is present in population databases (rs765804480, gnomAD 0.01%). This variant has not been reported in the literature in individuals affected with SYNE1-related conditions. Algorithms developed to predict the effect of sequence changes on RNA splicing suggest that this variant may disrupt the consensus splice site. In summary, the available evidence is currently insufficient to determine the role of this variant in disease. Therefore, it has been classified as a Variant of Uncertain Significance.